The following is an entry in ClinVar:

NM_001470.4(GABBR1):c.545G>A (p.Trp182Ter)

Gene: GABBR1 (gamma-aminobutyric acid type B receptor subunit 1; minus strand). Cytogenetic location: 6p22.1.
Variant type: single nucleotide variant.
Coding change: c.545G>A on transcript NM_001470.4 (MANE Select); coding-DNA position 545, G replaced by A.
Protein change: p.Trp182Ter; replaces tryptophan 182 with a stop codon.
Molecular consequence: nonsense.
Genome position (GRCh38, 1-based): chr6:29,627,598, C>T on the plus strand (G>A on the coding strand, the complement: GABBR1 is on the minus strand). VCF-style: chr6-29627598-C-T. GRCh37 (hg19) VCF-style: chr6-29595375-C-T.
Other names: c.14G>A, p.Trp5Ter (NM_001319053.2); c.194G>A, p.Trp65Ter (NM_021903.3); c.359G>A, p.Trp120Ter (NM_021904.4); short protein forms W120*, W182*, W5*, W65*.
Identifiers: ClinVar variation 1676496 (VCV001676496.3), dbSNP rs2127444404, ClinGen allele CA363035992.
Genomic context (GRCh38, chr6:29,627,598, plus strand): 5'-CGGCTATTCACGTCCTCCAGCGCCATCTCCACCGCGGGCTGGCAGGCCTGGCCCCCTGGC[C>T]AGCCCCCGCTCATGGGAAACAGTGCCCCGATGTACACTGCGCGCCGTTCTGAGGAGGGGT-3'

ClinVar aggregate classification (germline): Uncertain significance (1 of 4 stars; one submission).

Submission:

Greenwood Genetic Center Diagnostic Laboratories, Greenwood Genetic Center
Classification: Uncertain significance. Last evaluated: 2022-03-17. Review status: criteria provided, single submitter. Criteria: ACMG Guidelines, 2015. Collection method: clinical testing. Allele origin: germline. Affected: yes.
Comment: Gene of Uncertain Clinical Significance